The following is an entry in ClinVar:

ClinVar aggregate classification (germline): Uncertain significance (1 of 4 stars; one submission).

Submission:

Labcorp Genetics (formerly Invitae), Labcorp
Classification: Uncertain significance. Last evaluated: 2025-12-13. Review status: criteria provided, single submitter. Criteria: Invitae Variant Classification Sherloc (09022015). Collection method: clinical testing. Allele origin: germline.
Comment: This sequence change replaces asparagine, which is neutral and polar, with serine, which is neutral and polar, at codon 363 of the CACNA1E protein (p.Asn363Ser). This variant is not present in population databases (gnomAD no frequency). This variant has not been reported in the literature in individuals affected with CACNA1E-related conditions. Invitae Evidence Modeling of protein sequence and biophysical properties (such as structural, functional, and spatial information, amino acid conservation, physicochemical variation, residue mobility, and thermodynamic stability) has been performed for this missense variant. However, the output from this modeling did not meet the statistical confidence thresholds required to predict the impact of this variant on CACNA1E protein function. In summary, the available evidence is currently insufficient to determine the role of this variant in disease. Therefore, it has been classified as a Variant of Uncertain Significance.

NM_001205293.3(CACNA1E):c.1088A>G (p.Asn363Ser)

Gene: CACNA1E (calcium voltage-gated channel subunit alpha1 E; plus strand). Cytogenetic location: 1q25.3.
Variant type: single nucleotide variant.
Coding change: c.1088A>G on transcript NM_001205293.3 (MANE Select); coding-DNA position 1088, A replaced by G.
Protein change: p.Asn363Ser; replaces asparagine 363 with serine.
Molecular consequence: missense variant.
Genome position (GRCh38, 1-based): chr1:181,710,986, A>G. VCF-style: chr1-181710986-A-G. GRCh37 (hg19) VCF-style: chr1-181680122-A-G.
Other names: c.1088A>G, p.Asn363Ser (NM_000721.4, NM_001205294.2); short protein forms N363S.
Identifiers: ClinVar variation 4799982 (VCV004799982.1).